The following is an entry in ClinVar:

NM_000548.5(TSC2):c.4989+10G>A

Gene: TSC2 (TSC complex subunit 2; plus strand). Cytogenetic location: 16p13.3.
Variant type: single nucleotide variant.
Coding change: c.4989+10G>A on transcript NM_000548.5 (MANE Select); 10 bases into the intron after coding-DNA position 4989, G replaced by A.
Molecular consequence: intron variant.
Genome position (GRCh38, 1-based): chr16:2,086,881, G>A. VCF-style: chr16-2086881-G-A. GRCh37 (hg19) VCF-style: chr16-2136882-G-A.
Other names: c.4920+10G>A (NM_001114382.3); c.4860+10G>A (NM_021055.3, NM_001370405.1); c.4791+10G>A (NM_001363528.2); c.4857+10G>A (NM_001370404.1); c.4788+10G>A (NM_001077183.3); c.4680+10G>A (NM_001318827.2); c.4257+10G>A (NM_001318831.2); c.4644+10G>A (NM_001318829.2); and 1 more.
Identifiers: ClinVar variation 2116728 (VCV002116728.5), dbSNP rs1357118862, ClinGen allele CA2580091103.

ClinVar aggregate classification (germline): Likely benign. Review status: criteria provided, multiple submitters, no conflicts (2 of 4 stars). 2 submissions from 2 submitters: Likely benign (2). Last evaluated 2025-06-05.

Conditions:
Tuberous sclerosis 2 (TSC2). Identifiers: Orphanet 805, MedGen C1860707, MONDO:0013199, OMIM 613254.

Submissions (2):

Myriad Genetics, Inc.
Classification: Likely benign for Tuberous sclerosis 2. Last evaluated: 2025-06-05. Review status: criteria provided, single submitter. Criteria: Myriad Autosomal Dominant, Autosomal Recessive and X-Linked Classification Criteria (2023). Collection method: clinical testing. Allele origin: unknown.
Comment: This variant is considered likely benign. This variant is intronic and is not expected to impact mRNA splicing.

Labcorp Genetics (formerly Invitae), Labcorp
Classification: Likely benign for Tuberous sclerosis 2. Last evaluated: 2022-03-25. Review status: criteria provided, single submitter. Criteria: Invitae Variant Classification Sherloc (09022015). Collection method: clinical testing. Allele origin: germline.